The following is an entry in ClinVar:

NM_020937.4(FANCM):c.1798C>T (p.Gln600Ter)

Gene: FANCM (FA complementation group M; plus strand). Cytogenetic location: 14q21.2.
Variant type: single nucleotide variant.
Coding change: c.1798C>T on transcript NM_020937.4 (MANE Select); coding-DNA position 1798, C replaced by T.
Protein change: p.Gln600Ter; replaces glutamine 600 with a stop codon.
Molecular consequence: nonsense.
Genome position (GRCh38, 1-based): chr14:45,166,959, C>T. VCF-style: chr14-45166959-C-T. GRCh37 (hg19) VCF-style: chr14-45636162-C-T.
Other names: c.1720C>T, p.Gln574Ter (NM_001308133.2); c.1798C>T, p.Gln600Ter (NM_001308134.2); short protein forms Q600*, Q574*.
Identifiers: ClinVar variation 657536 (VCV000657536.29), dbSNP rs778744393, ClinGen allele CA7169163.

ClinVar aggregate classification (germline): Pathogenic. Review status: criteria provided, multiple submitters, no conflicts (2 of 4 stars). 2 submissions from 2 submitters: Pathogenic (2). Last evaluated 2025-12-01.

Conditions:
Fanconi anemia (FA). Also called: Fanconi's anemia. Identifiers: Orphanet 84, MedGen C0015625, MeSH D005199, MONDO:0019391.

Allele frequency attached by ClinVar (database versions not stated): gnomAD exomes below 0.00001; ExAC 0.00001.
gnomAD v4.1: 3 of 1,522,778 alleles (0.0002%); highest among the groups gnomAD compares: Non-Finnish European, 0.00018%; no homozygotes.

Submissions (2):

CeGaT Center for Human Genetics Tuebingen
Classification: Pathogenic. Last evaluated: 2025-12-01. Review status: criteria provided, single submitter. Criteria: CeGaT Center For Human Genetics Tuebingen Variant Classification Criteria Version 2. Collection method: clinical testing. Allele origin: germline. Affected: yes. Observed: 3 variant alleles.
Comment: FANCM: PVS1, PM2, PS4:Supporting

Labcorp Genetics (formerly Invitae), Labcorp
Classification: Pathogenic for Fanconi anemia. Last evaluated: 2022-07-19. Review status: criteria provided, single submitter. Criteria: Invitae Variant Classification Sherloc (09022015). Collection method: clinical testing. Allele origin: germline.
Comment: For these reasons, this variant has been classified as Pathogenic. This sequence change creates a premature translational stop signal (p.Gln600*) in the FANCM gene. It is expected to result in an absent or disrupted protein product. Loss-of-function variants in FANCM are known to be pathogenic (PMID: 29895858, 30075111). This variant is present in population databases (rs778744393, gnomAD 0.0009%). This premature translational stop signal has been observed in individual(s) with breast cancer and/or papillary renal cancer (PMID: 29625052, 31991861). ClinVar contains an entry for this variant (Variation ID: 657536).

Literature cited by the submitters: PubMed 29895858 (cited by Labcorp Genetics (formerly Invitae), Labcorp); PubMed 30075111 (cited by Labcorp Genetics (formerly Invitae), Labcorp); PubMed 29625052 (cited by Labcorp Genetics (formerly Invitae), Labcorp); PubMed 31991861 (cited by Labcorp Genetics (formerly Invitae), Labcorp).